The following is an entry in ClinVar:

NM_001375567.1(FOCAD):c.904G>A (p.Glu302Lys)

Gene: FOCAD (focadhesin; plus strand). Cytogenetic location: 9p21.3.
Variant type: single nucleotide variant.
Coding change: c.904G>A on transcript NM_001375567.1 (MANE Select); coding-DNA position 904, G replaced by A.
Protein change: p.Glu302Lys; replaces glutamic acid 302 with lysine.
Molecular consequence: missense variant.
Genome position (GRCh38, 1-based): chr9:20,770,236, G>A. VCF-style: chr9-20770236-G-A. GRCh37 (hg19) VCF-style: chr9-20770235-G-A.
Other names: c.904G>A (NM_017794.3); c.904G>A, p.Glu302Lys (NM_001375568.1, NM_017794.5); c.799G>A, p.Glu267Lys (NM_001375570.1); short protein forms E267K, E302K.
Identifiers: ClinVar variation 2894249 (VCV002894249.4), dbSNP rs200516182, ClinGen allele CA5006508.

ClinVar aggregate classification (germline): Uncertain significance. Review status: criteria provided, multiple submitters, no conflicts (2 of 4 stars). 2 submissions from 2 submitters: Uncertain significance (2). Last evaluated 2025-08-23.

Conditions:
Inborn genetic diseases. Identifiers: MedGen C0950123, MeSH D030342.

Allele frequency attached by ClinVar (database versions not stated): ExAC 0.00005; gnomAD 0.00008; TOPMed 0.00008; gnomAD exomes 0.00011.
gnomAD v4.1: 169 of 1,612,884 alleles (0.01%); highest among the groups gnomAD compares: Non-Finnish European, 0.013%; no homozygotes.

Submissions (2):

Ambry Genetics
Classification: Uncertain significance for Inborn genetic diseases. Last evaluated: 2025-08-23. Review status: criteria provided, single submitter. Criteria: Ambry Variant Classification Scheme 2023. Collection method: clinical testing. Allele origin: germline.

Labcorp Genetics (formerly Invitae), Labcorp
Classification: Uncertain significance. Last evaluated: 2024-07-04. Review status: criteria provided, single submitter. Criteria: Invitae Variant Classification Sherloc (09022015). Collection method: clinical testing. Allele origin: germline.
Comment: This sequence change replaces glutamic acid, which is acidic and polar, with lysine, which is basic and polar, at codon 302 of the FOCAD protein (p.Glu302Lys). This variant is present in population databases (rs200516182, gnomAD 0.02%). This variant has not been reported in the literature in individuals affected with FOCAD-related conditions. Experimental studies and prediction algorithms are not available or were not evaluated, and the functional significance of this variant is currently unknown. In summary, the available evidence is currently insufficient to determine the role of this variant in disease. Therefore, it has been classified as a Variant of Uncertain Significance.